The following is an entry in ClinVar:

ClinVar aggregate classification (germline): Uncertain significance. Review status: criteria provided, multiple submitters, no conflicts (2 of 4 stars). 2 submissions from 2 submitters: Uncertain significance (2). Last evaluated 2022-02-10.

gnomAD v4.1: 1 of 1,614,074 alleles (0.000062%); highest among the groups gnomAD compares: Non-Finnish European, 0.000085%; no homozygotes.

Submissions (2):

Labcorp Genetics (formerly Invitae), Labcorp
Classification: Uncertain significance. Last evaluated: 2022-02-10. Review status: criteria provided, single submitter. Criteria: Invitae Variant Classification Sherloc (09022015). Collection method: clinical testing. Allele origin: germline.
Comment: Algorithms developed to predict the effect of missense changes on protein structure and function are either unavailable or do not agree on the potential impact of this missense change (SIFT: "Deleterious"; PolyPhen-2: "Possibly Damaging"; Align-GVGD: "Class C0"). This sequence change replaces serine, which is neutral and polar, with leucine, which is neutral and non-polar, at codon 361 of the PITPNM3 protein (p.Ser361Leu). This variant is not present in population databases (gnomAD no frequency). This variant has not been reported in the literature in individuals affected with PITPNM3-related conditions. In summary, the available evidence is currently insufficient to determine the role of this variant in disease. Therefore, it has been classified as a Variant of Uncertain Significance.

Blueprint Genetics
Classification: Uncertain significance. Last evaluated: 2021-11-07. Review status: criteria provided, single submitter. Criteria: ACMG Guidelines, 2015. Collection method: clinical testing. Allele origin: germline.

NM_031220.4(PITPNM3):c.1082C>T (p.Ser361Leu)

Gene: PITPNM3 (PITPNM family member 3; minus strand). Cytogenetic location: 17p13.2.
Variant type: single nucleotide variant.
Coding change: c.1082C>T on transcript NM_031220.4 (MANE Select); coding-DNA position 1082, C replaced by T.
Protein change: p.Ser361Leu; replaces serine 361 with leucine.
Molecular consequence: missense variant.
Genome position (GRCh38, 1-based): chr17:6,477,032, G>A on the plus strand (C>T on the coding strand, the complement: PITPNM3 is on the minus strand). VCF-style: chr17-6477032-G-A. GRCh37 (hg19) VCF-style: chr17-6380352-G-A.
Other names: c.974C>T, p.Ser325Leu (NM_001165966.2); short protein forms S361L, S325L.
Identifiers: ClinVar variation 1518706 (VCV001518706.9), dbSNP rs2150730832, ClinGen allele CA397407043.
Genomic context (GRCh38, chr17:6,477,032, plus strand): 5'-GCCCTCCCAGTTGGCTCTGAGCCAAGGTCTTCTTGCTTCTGGACAGGGAGGGGCTACCTT[G>A]AGAGGAAGGCATGGTGCTGGGTGATGGCCTCGCAGTCATAGGTGGAGGAGTCGCTCTGTT-3'
Protein context (NP_112497.2, residues 351-371): EAITQHHAFL[Ser361Leu]SIHSSVLKDE